The following is an entry in ClinVar:

NM_001243133.2(NLRP3):c.403C>G (p.Arg135Gly)

Gene: NLRP3 (NLR family pyrin domain containing 3; plus strand). Cytogenetic location: 1q44.
Variant type: single nucleotide variant.
Coding change: c.403C>G on transcript NM_001243133.2 (MANE Select); coding-DNA position 403, C replaced by G.
Protein change: p.Arg135Gly; replaces arginine 135 with glycine.
Molecular consequence: missense variant.
Genome position (GRCh38, 1-based): chr1:247,423,852, C>G. VCF-style: chr1-247423852-C-G. GRCh37 (hg19) VCF-style: chr1-247587154-C-G.
Other names: c.403C>G, p.Arg135Gly (NM_001079821.3, NM_001127461.3, NM_001127462.3 and 1 more transcripts); c.409C>G, p.Arg137Gly (NM_004895.5); short protein forms R135G, R137G.
Identifiers: ClinVar variation 3685113 (VCV003685113.2).

ClinVar aggregate classification (germline): Uncertain significance (1 of 4 stars; one submission).

Conditions:
Cryopyrin associated periodic syndrome (CAPS). Identifiers: Orphanet 208650, MedGen C2316212, MONDO:0016168.

gnomAD v4.1: 3 of 1,613,538 alleles (0.00019%); highest among the groups gnomAD compares: Non-Finnish European, 0.00025%; no homozygotes.

Submission:

Labcorp Genetics (formerly Invitae), Labcorp
Classification: Uncertain significance for Cryopyrin associated periodic syndrome. Last evaluated: 2024-10-17. Review status: criteria provided, single submitter. Criteria: Invitae Variant Classification Sherloc (09022015). Collection method: clinical testing. Allele origin: germline.
Comment: This sequence change replaces arginine, which is basic and polar, with glycine, which is neutral and non-polar, at codon 137 of the NLRP3 protein (p.Arg137Gly). This variant is not present in population databases (gnomAD no frequency). This variant has not been reported in the literature in individuals affected with NLRP3-related conditions. Invitae Evidence Modeling of protein sequence and biophysical properties (such as structural, functional, and spatial information, amino acid conservation, physicochemical variation, residue mobility, and thermodynamic stability) indicates that this missense variant is not expected to disrupt NLRP3 protein function with a negative predictive value of 95%. In summary, the available evidence is currently insufficient to determine the role of this variant in disease. Therefore, it has been classified as a Variant of Uncertain Significance.